The following is an entry in ClinVar:

NM_018052.5(VAC14):c.1372-5C>T

Gene: VAC14 (VAC14 component of PIKFYVE complex; minus strand). Cytogenetic location: 16q22.1.
Variant type: single nucleotide variant.
Coding change: c.1372-5C>T on transcript NM_018052.5 (MANE Select); 5 bases into the intron before coding-DNA position 1372, C replaced by T.
Molecular consequence: intron variant.
Genome position (GRCh38, 1-based): chr16:70,744,584, G>A on the plus strand (C>T on the coding strand, the complement: VAC14 is on the minus strand). VCF-style: chr16-70744584-G-A. GRCh37 (hg19) VCF-style: chr16-70778487-G-A.
Other names: c.670-5C>T (NM_001351157.2).
Identifiers: ClinVar variation 748969 (VCV000748969.8), dbSNP rs376979509, ClinGen allele CA283498717.
Genomic context (GRCh38, chr16:70,744,584, plus strand): 5'-TGGCCTGCGGGGGAGGAAGCGATTTCTGCCAGCACCTCCAGGTCCTTCAGGATCACCTGG[G>A]GAGAGAAGCGGGGCAGGAGGGATGAGCTCTCCGCTGAGAGCTGTGCTGACCTGGGCAGAG-3'

ClinVar aggregate classification (germline): Likely benign. Review status: criteria provided, single submitter (1 of 4 stars). 2 submissions from 2 submitters: Likely benign (1). 1 of the submissions does not count toward it. Last evaluated 2024-11-05.

Conditions:
VAC14-related disorder. Also called: VAC14-related condition.

Allele frequency attached by ClinVar (database versions not stated): gnomAD exomes 0.00001; gnomAD 0.00002 and 0.00003; TOPMed 0.00003; ESP Exome Variant Server 0.00008.
gnomAD v4.1: 27 of 1,587,574 alleles (0.0017%); highest among the groups gnomAD compares: Middle Eastern, 0.11%; no homozygotes.

Submissions (2):

Labcorp Genetics (formerly Invitae), Labcorp
Classification: Likely benign. Last evaluated: 2024-11-05. Review status: criteria provided, single submitter. Criteria: Invitae Variant Classification Sherloc (09022015). Collection method: clinical testing. Allele origin: germline.

PreventionGenetics, part of Exact Sciences
Classification: Likely benign for VAC14-related condition. Last evaluated: 2019-07-15. Review status: no assertion criteria provided. Collection method: clinical testing. Allele origin: germline. Not counted in ClinVar's aggregate classification.
Comment: This variant is classified as likely benign based on ACMG/AMP sequence variant interpretation guidelines (Richards et al. 2015 PMID: 25741868, with internal and published modifications).